The following is an entry in ClinVar:

ClinVar aggregate classification (germline): Uncertain significance. Review status: criteria provided, multiple submitters, no conflicts (2 of 4 stars). 2 submissions from 2 submitters: Uncertain significance (2). Last evaluated 2026-04-16.

Conditions:
Inborn genetic diseases. Identifiers: MedGen C0950123, MeSH D030342.

gnomAD v4.1: 2 of 1,611,794 alleles (0.00012%); highest among the groups gnomAD compares: Admixed American, 0.0033%; no homozygotes.

Submissions (2):

Ambry Genetics
Classification: Uncertain significance for Inborn genetic diseases. Last evaluated: 2026-04-16. Review status: criteria provided, single submitter. Criteria: Ambry Variant Classification Scheme 2023. Collection method: clinical testing. Allele origin: germline.
Comment: The c.320A>T (p.N107I) alteration is located in exon 4 (coding exon 4) of the LHCGR gene. This alteration results from a A to T substitution at nucleotide position 320, causing the asparagine (N) at amino acid position 107 to be replaced by an isoleucine (I). Based on data from gnomAD, the T allele has an overall frequency of <0.001% (1/251200) total alleles studied. The highest observed frequency was 0.003% (1/34572) of Latino alleles. Based on insufficient or conflicting evidence, the clinical significance of this alteration remains unclear.

Labcorp Genetics (formerly Invitae), Labcorp
Classification: Uncertain significance. Last evaluated: 2024-04-06. Review status: criteria provided, single submitter. Criteria: Invitae Variant Classification Sherloc (09022015). Collection method: clinical testing. Allele origin: germline.
Comment: This sequence change replaces asparagine, which is neutral and polar, with isoleucine, which is neutral and non-polar, at codon 107 of the LHCGR protein (p.Asn107Ile). This variant is present in population databases (no rsID available, gnomAD 0.003%). This variant has not been reported in the literature in individuals affected with LHCGR-related conditions. Advanced modeling of protein sequence and biophysical properties (such as structural, functional, and spatial information, amino acid conservation, physicochemical variation, residue mobility, and thermodynamic stability) performed at Invitae indicates that this missense variant is not expected to disrupt LHCGR protein function with a negative predictive value of 80%. In summary, the available evidence is currently insufficient to determine the role of this variant in disease. Therefore, it has been classified as a Variant of Uncertain Significance.

NM_000233.4(LHCGR):c.320A>T (p.Asn107Ile)

Genes: LHCGR (luteinizing hormone/choriogonadotropin receptor; minus strand), STON1-GTF2A1L (STON1-GTF2A1L readthrough; plus strand). Cytogenetic location: 2p16.3.
Variant type: single nucleotide variant.
Coding change: c.320A>T on transcript NM_000233.4 (MANE Select); coding-DNA position 320, A replaced by T.
Protein change: p.Asn107Ile; replaces asparagine 107 with isoleucine.
Molecular consequence: missense variant. On other transcripts: intron variant (1).
Genome position (GRCh38, 1-based): chr2:48,725,739, T>A on the plus strand (A>T on the coding strand, the complement: LHCGR is on the minus strand). VCF-style: chr2-48725739-T-A. GRCh37 (hg19) VCF-style: chr2-48952878-T-A.
Other names: c.320A>T (NM_000233.3); c.3442-50541T>A (NM_001198593.2); short protein forms N107I.
Identifiers: ClinVar variation 3698973 (VCV003698973.3).